The following is an entry in ClinVar:

NM_002439.5(MSH3):c.2866C>G (p.Leu956Val)

Gene: MSH3 (mutS homolog 3; plus strand). Cytogenetic location: 5q14.1.
Variant type: single nucleotide variant.
Coding change: c.2866C>G on transcript NM_002439.5 (MANE Select); coding-DNA position 2866, C replaced by G.
Protein change: p.Leu956Val; replaces leucine 956 with valine.
Molecular consequence: missense variant.
Genome position (GRCh38, 1-based): chr5:80,854,182, C>G. VCF-style: chr5-80854182-C-G. GRCh37 (hg19) VCF-style: chr5-80150001-C-G.
Other names: short protein forms L956V.
Identifiers: ClinVar variation 3913657 (VCV003913657.1).

ClinVar aggregate classification (germline): Uncertain significance (1 of 4 stars; one submission).

Conditions:
Hereditary cancer-predisposing syndrome. Also called: Hereditary Cancer Syndrome; Hereditary neoplastic syndrome; Neoplastic Syndromes, Hereditary; Tumor predisposition. Identifiers: Orphanet 140162, MedGen C0027672, MeSH D009386, MONDO:0015356.

gnomAD v4.1: 1 of 1,613,712 alleles (0.000062%); highest among the groups gnomAD compares: Non-Finnish European, 0.000085%; no homozygotes.

Submission:

Ambry Genetics
Classification: Uncertain significance for Hereditary cancer-predisposing syndrome. Last evaluated: 2025-05-25. Review status: criteria provided, single submitter. Criteria: Ambry Variant Classification Scheme 2023. Collection method: clinical testing. Allele origin: germline.
Comment: The p.L956V variant (also known as c.2866C>G), located in coding exon 21 of the MSH3 gene, results from a C to G substitution at nucleotide position 2866. The leucine at codon 956 is replaced by valine, an amino acid with highly similar properties. This amino acid position is conserved. In addition, the in silico prediction for this alteration is inconclusive. Based on the available evidence, the clinical significance of this variant remains unclear.